The following is an entry in ClinVar:

NM_013444.4(UBQLN2):c.1527C>T (p.Pro509=)

Gene: UBQLN2 (ubiquilin 2; plus strand). Cytogenetic location: Xp11.21.
Variant type: single nucleotide variant.
Coding change: c.1527C>T on transcript NM_013444.4 (MANE Select); coding-DNA position 1527, C replaced by T.
Protein change: p.Pro509=; no amino-acid change (proline 509 retained).
Molecular consequence: synonymous variant.
Genome position (GRCh38, 1-based): chrX:56,565,400, C>T. VCF-style: chrX-56565400-C-T. GRCh37 (hg19) VCF-style: chrX-56591833-C-T.
Identifiers: ClinVar variation 3674539 (VCV003674539.2).

ClinVar aggregate classification (germline): Uncertain significance (1 of 4 stars; one submission).

Conditions:
Amyotrophic lateral sclerosis type 15. Also called: AMYOTROPHIC LATERAL SCLEROSIS 15 WITH FRONTOTEMPORAL DEMENTIA. Identifiers: Orphanet 803, MedGen C3275459, MONDO:0010459, OMIM 300857.

Submission:

Labcorp Genetics (formerly Invitae), Labcorp
Classification: Uncertain significance for Amyotrophic lateral sclerosis type 15. Last evaluated: 2024-07-16. Review status: criteria provided, single submitter. Criteria: Invitae Variant Classification Sherloc (09022015). Collection method: clinical testing. Allele origin: germline.
Comment: This sequence change affects codon 509 of the UBQLN2 mRNA. It is a 'silent' change, meaning that it does not change the encoded amino acid sequence of the UBQLN2 protein. This variant is present in population databases (rs749262406, gnomAD 0.003%). This variant has not been reported in the literature in individuals affected with UBQLN2-related conditions. In summary, the available evidence is currently insufficient to determine the role of this variant in disease. Therefore, it has been classified as a Variant of Uncertain Significance.